The following is an entry in ClinVar:

ClinVar aggregate classification (germline): Uncertain significance (1 of 4 stars; one submission).

Submission:

GeneDx
Classification: Uncertain significance. Last evaluated: 2019-11-22. Review status: criteria provided, single submitter. Criteria: GeneDx Variant Classification Process June 2021. Collection method: clinical testing. Allele origin: germline. Affected: yes.
Comment: Not observed in large population cohorts (Lek et al., 2016); In silico analysis, which includes protein predictors and evolutionary conservation, supports a deleterious effect; Has not been previously published as pathogenic or benign to our knowledge

NM_001330288.2(SMARCC2):c.2796C>G (p.Ile932Met)

Gene: SMARCC2 (SWI/SNF related, matrix associated, actin dependent regulator of chromatin subfamily c member 2; minus strand). Cytogenetic location: 12q13.2.
Variant type: single nucleotide variant.
Coding change: c.2796C>G on transcript NM_001330288.2 (MANE Select); coding-DNA position 2796, C replaced by G.
Protein change: p.Ile932Met; replaces isoleucine 932 with methionine.
Molecular consequence: missense variant.
Genome position (GRCh38, 1-based): chr12:56,168,114, G>C on the plus strand (C>G on the coding strand, the complement: SMARCC2 is on the minus strand). VCF-style: chr12-56168114-G-C. GRCh37 (hg19) VCF-style: chr12-56561898-G-C.
Other names: c.2796C>G, p.Ile932Met (NM_001130420.3, NM_139067.4); c.2703C>G, p.Ile901Met (NM_003075.5); short protein forms I901M, I932M.
Identifiers: ClinVar variation 1310574 (VCV001310574.2), dbSNP rs2135662100, ClinGen allele CA385340841.